The following is an entry in ClinVar:

ClinVar aggregate classification (germline): Uncertain significance. Review status: criteria provided, multiple submitters, no conflicts (2 of 4 stars). 2 submissions from 2 submitters: Uncertain significance (2). Last evaluated 2025-12-26.

Conditions:
Baller-Gerold syndrome (BGS). Also called: CRANIOSYNOSTOSIS WITH RADIAL DEFECTS. Identifiers: Orphanet 1225, MedGen C0265308, MONDO:0009039, OMIM 218600.
Inborn genetic diseases. Identifiers: MedGen C0950123, MeSH D030342.

Allele frequency attached by ClinVar (database versions not stated): TOPMed below 0.00001; gnomAD exomes 0.00001; gnomAD 0.00002; ExAC 0.00005.
gnomAD v4.1: 14 of 1,582,918 alleles (0.00088%); highest among the groups gnomAD compares: East Asian, 0.021%; no homozygotes.

Submissions (2):

Ambry Genetics
Classification: Uncertain significance for Inborn genetic diseases. Last evaluated: 2025-12-26. Review status: criteria provided, single submitter. Criteria: Ambry Variant Classification Scheme 2023. Collection method: clinical testing. Allele origin: germline.
Comment: The p.V469M variant (also known as c.1405G>A), located in coding exon 8 of the RECQL4 gene, results from a G to A substitution at nucleotide position 1405. The valine at codon 469 is replaced by methionine, an amino acid with highly similar properties. This amino acid position is conserved. In addition, the in silico prediction for this alteration is inconclusive. Based on the available evidence, the clinical significance of this variant remains unclear.

Labcorp Genetics (formerly Invitae), Labcorp
Classification: Uncertain significance for Baller-Gerold syndrome. Last evaluated: 2025-09-03. Review status: criteria provided, single submitter. Criteria: Invitae Variant Classification Sherloc (09022015). Collection method: clinical testing. Allele origin: germline.
Comment: This sequence change replaces valine, which is neutral and non-polar, with methionine, which is neutral and non-polar, at codon 469 of the RECQL4 protein (p.Val469Met). The frequency data for this variant in the population databases is considered unreliable, as metrics indicate poor data quality at this position in the gnomAD database. This variant has not been reported in the literature in individuals affected with RECQL4-related conditions. ClinVar contains an entry for this variant (Variation ID: 2195263). Invitae Evidence Modeling of protein sequence and biophysical properties (such as structural, functional, and spatial information, amino acid conservation, physicochemical variation, residue mobility, and thermodynamic stability) indicates that this missense variant is expected to disrupt RECQL4 protein function with a positive predictive value of 80%. In summary, the available evidence is currently insufficient to determine the role of this variant in disease. Therefore, it has been classified as a Variant of Uncertain Significance.

NM_004260.4(RECQL4):c.1405G>A (p.Val469Met)

Gene: RECQL4 (RecQ like helicase 4; minus strand). Cytogenetic location: 8q24.3.
Variant type: single nucleotide variant.
Coding change: c.1405G>A on transcript NM_004260.4 (MANE Select); coding-DNA position 1405, G replaced by A.
Protein change: p.Val469Met; replaces valine 469 with methionine.
Molecular consequence: missense variant.
Genome position (GRCh38, 1-based): chr8:144,515,228, C>T on the plus strand (G>A on the coding strand, the complement: RECQL4 is on the minus strand). VCF-style: chr8-144515228-C-T. GRCh37 (hg19) VCF-style: chr8-145740612-C-T.
Other names: c.1405G>A (NM_004260.3); c.1309G>A, p.Val437Met (NM_001413017.1, NM_001413020.1); c.1405G>A, p.Val469Met (NM_001413018.1, NM_001413019.1, NM_001413033.1 and 2 more transcripts); c.334G>A, p.Val112Met (NM_001413021.1, NM_001413022.1, NM_001413023.1 and 8 more transcripts); c.1276G>A, p.Val426Met (NM_001413025.1); c.268G>A, p.Val90Met (NM_001413027.1, NM_001413041.1, NM_001413030.1 and 2 more transcripts); c.1054G>A, p.Val352Met (NM_001413029.1); c.-63G>A (NM_001413043.1); short protein forms V112M, V437M, V469M, V426M, V352M, V90M.
Identifiers: ClinVar variation 2195263 (VCV002195263.5), dbSNP rs781734288, ClinGen allele CA4948865.